The following is an entry in ClinVar:

NM_198904.4(GABRG2):c.359C>T (p.Thr120Met)

Gene: GABRG2 (gamma-aminobutyric acid type A receptor subunit gamma2; plus strand). Cytogenetic location: 5q34.
Variant type: single nucleotide variant.
Coding change: c.359C>T on transcript NM_198904.4 (MANE Select); coding-DNA position 359, C replaced by T.
Protein change: p.Thr120Met; replaces threonine 120 with methionine.
Molecular consequence: missense variant. On other transcripts: intron variant (2).
Genome position (GRCh38, 1-based): chr5:162,097,669, C>T. VCF-style: chr5-162097669-C-T. GRCh37 (hg19) VCF-style: chr5-161524675-C-T.
Other names: c.359C>T, p.Thr120Met (NM_000816.3, NM_001375340.1, NM_001375341.1 and 4 more transcripts); c.350C>T, p.Thr117Met (NM_001375339.1); c.293C>T, p.Thr98Met (NM_001375345.1, NM_001375346.1); c.272C>T, p.Thr91Met (NM_001375347.1); c.74C>T, p.Thr25Met (NM_001375349.1); c.-31-31C>T (NM_001375350.1, NM_001375348.1); short protein forms T117M, T25M, T91M, T98M, T120M.
Identifiers: ClinVar variation 1522918 (VCV001522918.10), dbSNP rs1194128280, ClinGen allele CA362183792.
Genomic context (GRCh38, chr5:162,097,669, plus strand): 5'-ATTTTCTGTTTATCATTTTATTAAAACAGGAATACACTATTGATATATTTTTTGCGCAAA[C>T]GTGGTATGACAGACGTTTGAAATTTAACAGCACCATTAAAGTCCTCCGATTGAACAGCAA-3'
Protein context (NP_944494.1, residues 110-130): EYTIDIFFAQ[Thr120Met]WYDRRLKFNS

ClinVar aggregate classification (germline): Uncertain significance. Review status: criteria provided, multiple submitters, no conflicts (2 of 4 stars). 3 submissions from 3 submitters: Uncertain significance (3). Last evaluated 2026-06-16.

Conditions:
Inborn genetic diseases. Identifiers: MedGen C0950123, MeSH D030342.
Febrile seizures, familial, 8 (FEB8). Also called: CONVULSIONS, FAMILIAL FEBRILE, 8. Identifiers: Orphanet 36387, MedGen C1969810, MONDO:0011891, OMIM 607681.
EPILEPSY, CHILDHOOD ABSENCE, SUSCEPTIBILITY TO, 2 (ECA2). Identifiers: Orphanet 64280, MedGen C1843244, OMIM 607681.

Allele frequency attached by ClinVar (database versions not stated): gnomAD exomes below 0.00001; gnomAD 0.00001; TOPMed 0.00001.
gnomAD v4.1: 6 of 1,613,224 alleles (0.00037%); highest among the groups gnomAD compares: African/African-American, 0.0027%; no homozygotes.

Submissions (3):

Ambry Genetics
Classification: Uncertain significance for Inborn genetic diseases. Last evaluated: 2026-06-16. Review status: criteria provided, single submitter. Criteria: Ambry Variant Classification Scheme 2023. Collection method: clinical testing. Allele origin: germline.
Comment: The c.359C>T (p.T120M) alteration is located in exon 4 (coding exon 4) of the GABRG2 gene. This alteration results from a C to T substitution at nucleotide position 359, causing the threonine (T) at amino acid position 120 to be replaced by a methionine (M). Based on data from gnomAD, the T allele has an overall frequency of 0.001% (2/281038) total alleles studied. The highest observed frequency was 0.004% (1/24872) of African alleles. Based on insufficient or conflicting evidence, the clinical significance of this alteration remains unclear.

GeneDx
Classification: Uncertain significance. Last evaluated: 2023-11-05. Review status: criteria provided, single submitter. Criteria: GeneDx Variant Classification Process June 2021. Collection method: clinical testing. Allele origin: germline. Affected: yes.
Comment: Reported in a cohort of individuals with epilepsy and control individuals, but additional clinical information was not provided (PMID: 31327507); In silico analysis supports that this missense variant has a deleterious effect on protein structure/function; Not observed at significant frequency in large population cohorts (gnomAD); This variant is associated with the following publications: (PMID: 31327507)

Labcorp Genetics (formerly Invitae), Labcorp
Classification: Uncertain significance for Febrile seizures, familial, 8; EPILEPSY, CHILDHOOD ABSENCE, SUSCEPTIBILITY TO, 2. Last evaluated: 2023-08-23. Review status: criteria provided, single submitter. Criteria: Invitae Variant Classification Sherloc (09022015). Collection method: clinical testing. Allele origin: germline.
Comment: In summary, the available evidence is currently insufficient to determine the role of this variant in disease. Therefore, it has been classified as a Variant of Uncertain Significance. Algorithms developed to predict the effect of sequence changes on RNA splicing suggest that this variant may create or strengthen a splice site. Advanced modeling of protein sequence and biophysical properties (such as structural, functional, and spatial information, amino acid conservation, physicochemical variation, residue mobility, and thermodynamic stability) performed at Invitae indicates that this missense variant is expected to disrupt GABRG2 protein function. ClinVar contains an entry for this variant (Variation ID: 1522918). This variant has not been reported in the literature in individuals affected with GABRG2-related conditions. The frequency data for this variant in the population databases is considered unreliable, as metrics indicate poor data quality at this position in the gnomAD database. This sequence change replaces threonine, which is neutral and polar, with methionine, which is neutral and non-polar, at codon 120 of the GABRG2 protein (p.Thr120Met).